The following is an entry in ClinVar:

ClinVar aggregate classification (germline): Uncertain significance. Review status: criteria provided, multiple submitters, no conflicts (2 of 4 stars). 3 submissions from 3 submitters: Uncertain significance (3). Last evaluated 2024-11-21.

Conditions:
Sessile serrated polyposis cancer syndrome (SSPCS). Identifiers: Orphanet 157798, MedGen C4310714, MONDO:0014919, OMIM 617108.

gnomAD v4.1: 6 of 1,612,272 alleles (0.00037%); highest among the groups gnomAD compares: Non-Finnish European, 0.00051%; no homozygotes.

Submissions (3):

Ambry Genetics
Classification: Uncertain significance. Last evaluated: 2024-11-21. Review status: criteria provided, single submitter. Criteria: Ambry Variant Classification Scheme 2023. Collection method: clinical testing. Allele origin: germline.
Comment: The p.I212M variant (also known as c.636C>G), located in coding exon 5 of the RNF43 gene, results from a C to G substitution at nucleotide position 636. The isoleucine at codon 212 is replaced by methionine, an amino acid with highly similar properties. This amino acid position is conserved. In addition, this alteration is predicted to be tolerated by in silico analysis. Based on the available evidence, the clinical significance of this variant remains unclear.

Labcorp Genetics (formerly Invitae), Labcorp
Classification: Uncertain significance. Last evaluated: 2024-02-03. Review status: criteria provided, single submitter. Criteria: Invitae Variant Classification Sherloc (09022015). Collection method: clinical testing. Allele origin: germline.
Comment: This sequence change replaces isoleucine, which is neutral and non-polar, with methionine, which is neutral and non-polar, at codon 212 of the RNF43 protein (p.Ile212Met). This variant is not present in population databases (gnomAD no frequency). This variant has not been reported in the literature in individuals affected with RNF43-related conditions. An algorithm developed to predict the effect of missense changes on protein structure and function (PolyPhen-2) suggests that this variant is likely to be tolerated. In summary, the available evidence is currently insufficient to determine the role of this variant in disease. Therefore, it has been classified as a Variant of Uncertain Significance.

Fulgent Genetics
Classification: Uncertain significance for Sessile serrated polyposis cancer syndrome. Last evaluated: 2024-01-26. Review status: criteria provided, single submitter. Criteria: ACMG Guidelines, 2015. Collection method: clinical testing. Allele origin: germline.

NM_017763.6(RNF43):c.636C>G (p.Ile212Met)

Gene: RNF43 (ring finger protein 43; minus strand). Cytogenetic location: 17q22.
Variant type: single nucleotide variant.
Coding change: c.636C>G on transcript NM_017763.6 (MANE Select); coding-DNA position 636, C replaced by G.
Protein change: p.Ile212Met; replaces isoleucine 212 with methionine.
Molecular consequence: missense variant.
Genome position (GRCh38, 1-based): chr17:58,362,595, G>C on the plus strand (C>G on the coding strand, the complement: RNF43 is on the minus strand). VCF-style: chr17-58362595-G-C. GRCh37 (hg19) VCF-style: chr17-56439956-G-C.
Other names: c.636C>G, p.Ile212Met (NM_001305544.3); c.255C>G, p.Ile85Met (NM_001305545.2); short protein forms I212M, I85M.
Identifiers: ClinVar variation 2957431 (VCV002957431.5), dbSNP rs1384415621, ClinGen allele CA400336494.